The following is an entry in ClinVar:

ClinVar aggregate classification (germline): Uncertain significance (1 of 4 stars; one submission).

Conditions:
Inborn genetic diseases. Identifiers: MedGen C0950123, MeSH D030342.

Submission:

Ambry Genetics
Classification: Uncertain significance for Inborn genetic diseases. Last evaluated: 2025-06-16. Review status: criteria provided, single submitter. Criteria: Ambry Variant Classification Scheme 2023. Collection method: clinical testing. Allele origin: germline.
Comment: The c.5325_5333delGGAAGAAGA (p.E1778_E1780del) alteration is located in exon 20 (coding exon 20) of the ARID1A gene. This alteration consists of an in-frame deletion of 9 nucleotides between nucleotide positions c.5325 and c.5333, resulting in the deletion of 3 residues. Based on insufficient or conflicting evidence, the clinical significance of this alteration remains unclear.

NM_006015.6(ARID1A):c.5325_5333del (p.Glu1778_Glu1780del)

Gene: ARID1A (AT-rich interaction domain 1A; plus strand). Cytogenetic location: 1p36.11.
Variant type: Deletion.
Coding change: c.5325_5333del on transcript NM_006015.6 (MANE Select); coding-DNA positions 5325 to 5333, 9 bases deleted (GGAAGAAGA; older notation c.5325_5333delGGAAGAAGA).
Protein change: p.Glu1778_Glu1780del.
Genome position (GRCh38, 1-based): chr1:26,779,223-26,779,231, GGAAGAAGA deleted; deleting any 9 consecutive bases within chr1:26,779,217-26,779,231 gives the same sequence; the c. name uses the placement nearest the transcript's 3' end. VCF-style (leftmost placement, unchanged base first): chr1-26779216-TAGAAGAGGA-T. GRCh37 (hg19) VCF-style: chr1-27105707-TAGAAGAGGA-T.
Other names: c.4674_4682del, p.Glu1561_Glu1563del (NM_139135.4).
Identifiers: ClinVar variation 4143352 (VCV004143352.1).